The following is an entry in ClinVar:

ClinVar aggregate classification (germline): Uncertain significance (1 of 4 stars; one submission).

gnomAD v4.1: 3 of 1,172,666 alleles (0.00026%); highest among the groups gnomAD compares: Non-Finnish European, 0.0001%; no homozygotes.

Submission:

Ambry Genetics
Classification: Uncertain significance. Last evaluated: 2025-04-14. Review status: criteria provided, single submitter. Criteria: Ambry Variant Classification Scheme 2023. Collection method: clinical testing. Allele origin: germline.
Comment: The p.A97T variant (also known as c.289G>A), located in coding exon 1 of the WNK2 gene, results from a G to A substitution at nucleotide position 289. The alanine at codon 97 is replaced by threonine, an amino acid with similar properties. This amino acid position is conserved. In addition, this alteration is predicted to be tolerated by in silico analysis. Based on the available evidence, the clinical significance of this variant remains unclear.

NM_006648.4(WNK2):c.289G>A (p.Ala97Thr)

Gene: WNK2 (WNK lysine deficient protein kinase 2; plus strand). Cytogenetic location: 9q22.31.
Variant type: single nucleotide variant.
Coding change: c.289G>A on transcript NM_006648.4 (MANE Select); coding-DNA position 289, G replaced by A.
Protein change: p.Ala97Thr; replaces alanine 97 with threonine.
Molecular consequence: missense variant.
Genome position (GRCh38, 1-based): chr9:93,185,218, G>A. VCF-style: chr9-93185218-G-A. GRCh37 (hg19) VCF-style: chr9-95947500-G-A.
Other names: c.289G>A, p.Ala97Thr (NM_001282394.3); short protein forms A97T.
Identifiers: ClinVar variation 3981883 (VCV003981883.1).